The following is an entry in ClinVar:

NM_006941.4(SOX10):c.1107del (p.His368_Tyr369insTer)

Genes: POLR2F (RNA polymerase II, I and III subunit F; plus strand), SOX10 (SRY-box transcription factor 10; minus strand). Cytogenetic location: 22q13.1.
Variant type: Deletion.
Coding change: c.1107del on transcript NM_006941.4 (MANE Select); coding-DNA position 1107, one base deleted (C; older notation c.1107delC).
Protein change: p.His368_Tyr369insTer.
Molecular consequence: nonsense. On other transcripts: intron variant (3).
Genome position (GRCh38, 1-based): chr22:37,973,789, G deleted on the plus strand (C on the coding strand, the reverse complement: SOX10 is on the minus strand). VCF-style (leftmost placement, unchanged base first): chr22-37973788-TG-T. GRCh37 (hg19) VCF-style: chr22-38369795-TG-T.
Other names: c.*38+1479del (NM_001363825.1); c.293+6619del (NM_001301130.2, NM_001301131.2).
Identifiers: ClinVar variation 503991 (VCV000503991.4), dbSNP rs1555937390, ClinGen allele CA658799546.

ClinVar aggregate classification (germline): Pathogenic/Likely pathogenic. Review status: criteria provided, multiple submitters, no conflicts (2 of 4 stars). 2 submissions from 2 submitters: Pathogenic (1); Likely pathogenic (1). Last evaluated 2018-01-02.

Conditions:
Waardenburg syndrome type 4C (WS4C). Also called: WAARDENBURG SYNDROME WITH HIRSCHSPRUNG DISEASE, TYPE 4C. Identifiers: Orphanet 897, MedGen C2750452, MONDO:0013202, OMIM 613266.

Submissions (2):

GeneDx
Classification: Pathogenic. Last evaluated: 2018-01-02. Review status: criteria provided, single submitter. Criteria: GeneDx Variant Classification (06012015). Collection method: clinical testing. Allele origin: germline. Affected: yes.
Comment: The c.1107delC variant in the SOX10 gene has not been reported previously as a pathogenic variant nor as a benign variant, to our knowledge. The c.1107delC variant causes a frameshift, changing codon Tyrosine 369 to a premature Stop codon, denoted p.Tyr369Ter. This variant is predicted to cause loss of normal protein function either through protein truncation or nonsense-mediated mRNA decay. The c.1107delC variant is not observed in large population cohorts (Lek et al., 2016). We interpret c.1107delC as a pathogenic variant.

Center for Human Genetics, Inc
Classification: Likely pathogenic for Waardenburg syndrome type 4C. Last evaluated: 2016-11-01. Review status: criteria provided, single submitter. Criteria: ACMG Guidelines, 2015. Collection method: clinical testing. Allele origin: germline. Affected: yes.